The following is an entry in ClinVar:

ClinVar aggregate classification (germline): Uncertain significance (1 of 4 stars; one submission).

Conditions:
Cardiovascular phenotype. Identifiers: MedGen CN230736.

gnomAD v4.1: 1 of 1,613,800 alleles (0.000062%); highest among the groups gnomAD compares: African/African-American, 0.0013%; no homozygotes.

Submission:

Ambry Genetics
Classification: Uncertain significance for Cardiovascular phenotype. Last evaluated: 2023-08-03. Review status: criteria provided, single submitter. Criteria: Ambry Variant Classification Scheme 2023. Collection method: clinical testing. Allele origin: germline.
Comment: The p.V935L variant (also known as c.2803G>C), located in coding exon 18 of the FLNC gene, results from a G to C substitution at nucleotide position 2803. The valine at codon 935 is replaced by leucine, an amino acid with highly similar properties. This amino acid position is conserved. In addition, this alteration is predicted to be tolerated by in silico analysis. Since supporting evidence is limited at this time, the clinical significance of this alteration remains unclear.

NM_001458.5(FLNC):c.2803G>C (p.Val935Leu)

Gene: FLNC (filamin C; plus strand). Cytogenetic location: 7q32.1.
Variant type: single nucleotide variant.
Coding change: c.2803G>C on transcript NM_001458.5 (MANE Select); coding-DNA position 2803, G replaced by C.
Protein change: p.Val935Leu; replaces valine 935 with leucine.
Molecular consequence: missense variant.
Genome position (GRCh38, 1-based): chr7:128,843,569, G>C. VCF-style: chr7-128843569-G-C. GRCh37 (hg19) VCF-style: chr7-128483623-G-C.
Other names: c.2803G>C, p.Val935Leu (NM_001127487.2); short protein forms V935L.
Identifiers: ClinVar variation 2585961 (VCV002585961.2), dbSNP rs751322775, ClinGen allele CA369193310.